The following is an entry in ClinVar:

NM_173569.4(UBN2):c.3979C>T (p.Gln1327Ter)

Gene: UBN2 (ubinuclein 2; plus strand). Cytogenetic location: 7q34.
Variant type: single nucleotide variant.
Coding change: c.3979C>T on transcript NM_173569.4 (MANE Select); coding-DNA position 3979, C replaced by T.
Protein change: p.Gln1327Ter; replaces glutamine 1327 with a stop codon.
Molecular consequence: nonsense.
Genome position (GRCh38, 1-based): chr7:139,293,966, C>T. VCF-style: chr7-139293966-C-T. GRCh37 (hg19) VCF-style: chr7-138978712-C-T.
Other names: short protein forms Q1327*.
Identifiers: ClinVar variation 2637049 (VCV002637049.1), dbSNP rs780926338, ClinGen allele CA369413650.

ClinVar aggregate classification (germline): Uncertain significance (1 of 4 stars; one submission).

Conditions:
UBN2-related disorder. Also called: UBN2-related condition.

Submission:

PreventionGenetics, part of Exact Sciences
Classification: Uncertain significance for UBN2-related condition. Last evaluated: 2022-09-19. Review status: criteria provided, single submitter. Criteria: ACMG Guidelines, 2015. Collection method: clinical testing. Allele origin: germline.
Comment: The UBN2 c.3979C>T variant is predicted to result in premature protein termination (p.Gln1327*). To our knowledge, this variant has not been reported in the literature or in a large population database, indicating this variant is rare. At this time, the clinical significance of this variant is uncertain due to the absence of conclusive functional and genetic evidence.